The following is an entry in ClinVar:

NM_000179.3(MSH6):c.2261C>A (p.Thr754Asn)

Gene: MSH6 (mutS homolog 6; plus strand). Cytogenetic location: 2p16.3.
Variant type: single nucleotide variant.
Coding change: c.2261C>A on transcript NM_000179.3 (MANE Select); coding-DNA position 2261, C replaced by A.
Protein change: p.Thr754Asn; replaces threonine 754 with asparagine.
Molecular consequence: missense variant.
Genome position (GRCh38, 1-based): chr2:47,800,244, C>A. VCF-style: chr2-47800244-C-A. GRCh37 (hg19) VCF-style: chr2-48027383-C-A.
Other names: c.1871C>A, p.Thr624Asn (NM_001281492.2); c.1355C>A, p.Thr452Asn (NM_001281493.2, NM_001281494.2); short protein forms T452N, T624N, T754N.
Identifiers: ClinVar variation 928988 (VCV000928988.2), dbSNP rs1669440639, ClinGen allele CA346752752.

ClinVar aggregate classification (germline): Uncertain significance. Review status: criteria provided, multiple submitters, no conflicts (2 of 4 stars). 2 submissions from 2 submitters: Uncertain significance (2). Last evaluated 2025-07-03.

Conditions:
Hereditary cancer-predisposing syndrome. Also called: Neoplastic Syndromes, Hereditary; Hereditary Cancer Syndrome; Tumor predisposition; Hereditary neoplastic syndrome. Identifiers: Orphanet 140162, MedGen C0027672, MeSH D009386, MONDO:0015356.

Submissions (2):

Ambry Genetics
Classification: Uncertain significance for Hereditary cancer-predisposing syndrome. Last evaluated: 2025-07-03. Review status: criteria provided, single submitter. Criteria: Ambry Variant Classification Scheme 2023. Collection method: clinical testing. Allele origin: germline.
Comment: The p.T754N variant (also known as c.2261C>A), located in coding exon 4 of the MSH6 gene, results from a C to A substitution at nucleotide position 2261. The threonine at codon 754 is replaced by asparagine, an amino acid with similar properties. This amino acid position is conserved. In addition, this alteration is predicted to be tolerated by in silico analysis. Based on the available evidence, the clinical significance of this variant remains unclear.

Women's Health and Genetics/Laboratory Corporation of America, LabCorp
Classification: Uncertain significance. Last evaluated: 2019-09-23. Review status: criteria provided, single submitter. Criteria: LabCorp Variant Classification Summary - May 2015. Collection method: clinical testing. Allele origin: germline.
Comment: Variant summary: MSH6 c.2261C>A (p.Thr754Asn) results in a non-conservative amino acid change located in the DNA mismatch repair protein MutS, core domain of the encoded protein sequence. Three of five in-silico tools predict a damaging effect of the variant on protein function. The variant was absent in 251060 control chromosomes. The available data on variant occurrences in the general population are insufficient to allow any conclusion about variant significance. To our knowledge, no occurrence of c.2261C>A in individuals affected with Lynch Syndrome and no experimental evidence demonstrating its impact on protein function have been reported. No clinical diagnostic laboratories have submitted clinical-significance assessments for this variant to ClinVar after 2014. Based on the evidence outlined above, the variant was classified as uncertain significance.